The following is an entry in ClinVar:

NM_003244.4(TGIF1):c.327A>T (p.Thr109=)

Gene: TGIF1 (TGFB induced factor homeobox 1; plus strand). Cytogenetic location: 18p11.31.
Variant type: single nucleotide variant.
Coding change: c.327A>T on transcript NM_003244.4 (MANE Select); coding-DNA position 327, A replaced by T.
Protein change: p.Thr109=; no amino-acid change (threonine 109 retained).
Molecular consequence: synonymous variant.
Genome position (GRCh38, 1-based): chr18:3,457,448, A>T. VCF-style: chr18-3457448-A-T. GRCh37 (hg19) VCF-style: chr18-3457446-A-T.
Other names: c.336A>T, p.Thr112= (NM_001278682.2); c.327A>T, p.Thr109= (NM_001278684.2, NM_173208.3); c.267A>T, p.Thr89= (NM_001278686.3, NM_001374396.1, NM_001374397.1 and 5 more transcripts); c.369A>T, p.Thr123= (NM_173207.4).
Identifiers: ClinVar variation 2648531 (VCV002648531.24), dbSNP rs371759253, ClinGen allele CA8875930.

ClinVar aggregate classification (germline): Likely benign (1 of 4 stars; one submission).

Allele frequency attached by ClinVar (database versions not stated): ESP Exome Variant Server 0.00008.
gnomAD v4.1: 44 of 1,614,098 alleles (0.0027%); highest among the groups gnomAD compares: Admixed American, 0.005%; no homozygotes.

Submission:

CeGaT Center for Human Genetics Tuebingen
Classification: Likely benign. Last evaluated: 2022-11-01. Review status: criteria provided, single submitter. Criteria: CeGaT Center For Human Genetics Tuebingen Variant Classification Criteria Version 2. Collection method: clinical testing. Allele origin: germline. Affected: yes. Observed: 1 variant allele.
Comment: TGIF1: BP4, BP7